The following is an entry in ClinVar:

NM_004380.3(CREBBP):c.2284-4G>C

Gene: CREBBP (CREB binding lysine acetyltransferase; minus strand). Cytogenetic location: 16p13.3.
Variant type: single nucleotide variant.
Coding change: c.2284-4G>C on transcript NM_004380.3 (MANE Select); 4 bases into the intron before coding-DNA position 2284, G replaced by C.
Molecular consequence: intron variant.
Genome position (GRCh38, 1-based): chr16:3,773,934, C>G on the plus strand (G>C on the coding strand, the complement: CREBBP is on the minus strand). VCF-style: chr16-3773934-C-G. GRCh37 (hg19) VCF-style: chr16-3823935-C-G.
Other names: c.2170-4G>C (NM_001079846.1).
Identifiers: ClinVar variation 2274905 (VCV002274905.28), dbSNP rs200764566, ClinGen allele CA7870173.

ClinVar aggregate classification (germline): Likely benign. Review status: criteria provided, multiple submitters, no conflicts (2 of 4 stars). 5 submissions from 5 submitters: Likely benign (4). 1 of the submissions does not count toward it. Last evaluated 2025-05-18.

Conditions:
Rubinstein-Taybi syndrome (RSTS). Identifiers: Orphanet 783, MedGen C0035934, MONDO:0019188.
CREBBP-related disorder. Also called: CREBBP-related condition; CREBBP-related disorders.
Inborn genetic diseases. Identifiers: MedGen C0950123, MeSH D030342.

Allele frequency attached by ClinVar (database versions not stated): ExAC 0.00007; ESP Exome Variant Server 0.00008.
gnomAD v4.1: 111 of 1,612,038 alleles (0.0069%); highest among the groups gnomAD compares: Non-Finnish European, 0.0087%; no homozygotes.

Submissions (5):

Labcorp Genetics (formerly Invitae), Labcorp
Classification: Likely benign for Rubinstein-Taybi syndrome. Last evaluated: 2025-05-18. Review status: criteria provided, single submitter. Criteria: Invitae Variant Classification Sherloc (09022015). Collection method: clinical testing. Allele origin: germline.

Blueprint Genetics
Classification: Likely benign. Last evaluated: 2024-08-22. Review status: criteria provided, single submitter. Criteria: ACMG Guidelines, 2015. Collection method: clinical testing. Allele origin: germline.

CeGaT Center for Human Genetics Tuebingen
Classification: Likely benign. Last evaluated: 2024-02-01. Review status: criteria provided, single submitter. Criteria: CeGaT Center For Human Genetics Tuebingen Variant Classification Criteria Version 2. Collection method: clinical testing. Allele origin: germline. Affected: yes. Observed: 1 variant allele.
Comment: CREBBP: BP4

Ambry Genetics
Classification: Likely benign for Inborn genetic diseases. Last evaluated: 2022-03-08. Review status: criteria provided, single submitter. Criteria: Ambry Variant Classification Scheme 2023. Collection method: clinical testing. Allele origin: germline.

PreventionGenetics, part of Exact Sciences
Classification: Likely benign for CREBBP-related condition. Last evaluated: 2021-10-29. Review status: no assertion criteria provided. Collection method: clinical testing. Allele origin: germline. Not counted in ClinVar's aggregate classification.
Comment: This variant is classified as likely benign based on ACMG/AMP sequence variant interpretation guidelines (Richards et al. 2015 PMID: 25741868, with internal and published modifications).